The following is an entry in ClinVar:

NM_000256.3(MYBPC3):c.2471A>C (p.Asp824Ala)

Gene: MYBPC3 (myosin binding protein C3; minus strand). Cytogenetic location: 11p11.2.
Variant type: single nucleotide variant.
Coding change: c.2471A>C on transcript NM_000256.3 (MANE Select); coding-DNA position 2471, A replaced by C.
Protein change: p.Asp824Ala; replaces aspartic acid 824 with alanine.
Molecular consequence: missense variant.
Genome position (GRCh38, 1-based): chr11:47,337,522, T>G on the plus strand (A>C on the coding strand, the complement: MYBPC3 is on the minus strand). VCF-style: chr11-47337522-T-G. GRCh37 (hg19) VCF-style: chr11-47359073-T-G.
Other names: short protein forms D824A.
Identifiers: ClinVar variation 4758649 (VCV004758649.1).

ClinVar aggregate classification (germline): Uncertain significance (1 of 4 stars; one submission).

Conditions:
Cardiomyopathy (CMYO). Also called: Cardiomyopathies. Identifiers: Orphanet 167848, MedGen C0878544, MONDO:0004994, HP:0001638. Inheritance: Various modes of inheritance.

Submission:

Color Diagnostics, LLC DBA Color Health
Classification: Uncertain significance for Cardiomyopathy. Last evaluated: 2025-05-12. Review status: criteria provided, single submitter. Criteria: ACMG Guidelines, 2015. Collection method: clinical testing. Allele origin: germline.
Comment: This missense variant replaces aspartic acid with alanine at codon 824 of the MYBPC3 protein. Computational prediction suggests that this variant may not impact protein structure and function. To our knowledge, functional studies have not been reported for this variant. This variant has not been reported in individuals affected with MYBPC3-related disorders in the literature. This variant has not been identified in the general population by the Genome Aggregation Database (gnomAD). The available evidence is insufficient to determine the role of this variant in disease conclusively. Therefore, this variant is classified as a Variant of Uncertain Significance.